The following is an entry in ClinVar:

NM_019892.6(INPP5E):c.1389G>A (p.Ala463=)

Gene: INPP5E (inositol polyphosphate-5-phosphatase E; minus strand). Cytogenetic location: 9q34.3.
Variant type: single nucleotide variant.
Coding change: c.1389G>A on transcript NM_019892.6 (MANE Select); coding-DNA position 1389, G replaced by A.
Protein change: p.Ala463=; no amino-acid change (alanine 463 retained).
Molecular consequence: synonymous variant.
Genome position (GRCh38, 1-based): chr9:136,431,984, C>T on the plus strand (G>A on the coding strand, the complement: INPP5E is on the minus strand). VCF-style: chr9-136431984-C-T. GRCh37 (hg19) VCF-style: chr9-139326436-C-T.
Other names: c.1386G>A, p.Ala462= (NM_001318502.2); c.1389G>A (NM_019892.5).
Identifiers: ClinVar variation 1364358 (VCV001364358.8), dbSNP rs779735920, ClinGen allele CA5336806.

ClinVar aggregate classification (germline): Uncertain significance. Review status: criteria provided, multiple submitters, no conflicts (2 of 4 stars). 2 submissions from 2 submitters: Uncertain significance (2). Last evaluated 2025-12-16.

Conditions:
INPP5E-related disorder. Also called: INPP5E-related condition.
Joubert syndrome. Also called: Familial aplasia of the vermis; JOUBERT-BOLTSHAUSER SYNDROME. Identifiers: Orphanet 475, MedGen C5979921, MONDO:0018772.

Allele frequency attached by ClinVar (database versions not stated): ExAC 0.00003; gnomAD 0.00004; gnomAD exomes 0.00004; TOPMed 0.00005.
gnomAD v4.1: 43 of 1,612,470 alleles (0.0027%); highest among the groups gnomAD compares: African/African-American, 0.004%; no homozygotes.

Submissions (2):

PreventionGenetics, part of Exact Sciences
Classification: Uncertain significance for INPP5E-related condition. Last evaluated: 2025-12-16. Review status: criteria provided, single submitter. Criteria: ACMG Guidelines, 2015. Collection method: clinical testing. Allele origin: germline.
Comment: The INPP5E c.1389G>A variant is not predicted to result in an amino acid change (p.=). To our knowledge, this variant has not been reported in the literature. This variant is reported in 0.010% of alleles in individuals of East Asian descent in gnomAD. This variant is predicted to alter splicing based on available splicing prediction programs (SpliceAI, Jaganathan et al. 2019. PubMed ID: 30661751); however, the use of computer prediction programs is not equivalent to functional evidence. At this time, the clinical significance of this variant is uncertain due to the absence of conclusive functional and genetic evidence.

Labcorp Genetics (formerly Invitae), Labcorp
Classification: Uncertain significance for Joubert syndrome. Last evaluated: 2023-12-22. Review status: criteria provided, single submitter. Criteria: Invitae Variant Classification Sherloc (09022015). Collection method: clinical testing. Allele origin: germline.
Comment: This sequence change affects codon 463 of the INPP5E mRNA. It is a 'silent' change, meaning that it does not change the encoded amino acid sequence of the INPP5E protein. This variant is present in population databases (rs779735920, gnomAD 0.01%). This variant has not been reported in the literature in individuals affected with INPP5E-related conditions. ClinVar contains an entry for this variant (Variation ID: 1364358). Algorithms developed to predict the effect of sequence changes on RNA splicing suggest that this variant may create or strengthen a splice site. In summary, the available evidence is currently insufficient to determine the role of this variant in disease. Therefore, it has been classified as a Variant of Uncertain Significance.